The following is an entry in ClinVar:

NM_014862.4(ARNT2):c.1147C>T (p.Arg383Cys)

Genes: ARNT2 (aryl hydrocarbon receptor nuclear translocator 2; plus strand), ARNT2-AS3 (ARNT2 antisense RNA 3; minus strand). Cytogenetic location: 15q25.1.
Variant type: single nucleotide variant.
Coding change: c.1147C>T on transcript NM_014862.4 (MANE Select); coding-DNA position 1147, C replaced by T.
Protein change: p.Arg383Cys; replaces arginine 383 with cysteine.
Molecular consequence: missense variant. On other transcripts: non-coding transcript variant (1).
Genome position (GRCh38, 1-based): chr15:80,555,122, C>T. VCF-style: chr15-80555122-C-T. GRCh37 (hg19) VCF-style: chr15-80847463-C-T.
Other names: short protein forms R383C.
Identifiers: ClinVar variation 1918767 (VCV001918767.5), dbSNP rs781514624, ClinGen allele CA7691923.
Genomic context (GRCh38, chr15:80,555,122, plus strand): 5'-TAGGATCTTCTGGGAAAGGACATTTTGGAATTCTGCCACCCTGAGGATCAAAGCCATCTG[C>T]GTGAGAGCTTCCAGCAGGTACATACTGCCAGTACCCACTTAAAGCTGATGCATAGTCTGG-3'
Protein context (NP_055677.3, residues 373-393): FCHPEDQSHL[Arg383Cys]ESFQQVVKLK

ClinVar aggregate classification (germline): Uncertain significance (1 of 4 stars; one submission).

Allele frequency attached by ClinVar (database versions not stated): ExAC 0.00001; gnomAD 0.00001; TOPMed 0.00001; gnomAD exomes 0.00002.
gnomAD v4.1: 32 of 1,614,056 alleles (0.002%); highest among the groups gnomAD compares: Non-Finnish European, 0.0024%; no homozygotes.

Submission:

Labcorp Genetics (formerly Invitae), Labcorp
Classification: Uncertain significance. Last evaluated: 2022-08-19. Review status: criteria provided, single submitter. Criteria: Invitae Variant Classification Sherloc (09022015). Collection method: clinical testing. Allele origin: germline.
Comment: This variant is present in population databases (rs781514624, gnomAD 0.003%). This sequence change replaces arginine, which is basic and polar, with cysteine, which is neutral and slightly polar, at codon 383 of the ARNT2 protein (p.Arg383Cys). In summary, the available evidence is currently insufficient to determine the role of this variant in disease. Therefore, it has been classified as a Variant of Uncertain Significance. Algorithms developed to predict the effect of missense changes on protein structure and function are either unavailable or do not agree on the potential impact of this missense change (SIFT: "Deleterious"; PolyPhen-2: "Benign"; Align-GVGD: "Class C35"). This variant has not been reported in the literature in individuals affected with ARNT2-related conditions.